The following is an entry in ClinVar:

NM_003000.3(SDHB):c.546G>A (p.Gly182=)

Gene: SDHB (succinate dehydrogenase complex iron sulfur subunit B; minus strand). Cytogenetic location: 1p36.13.
Variant type: single nucleotide variant.
Coding change: c.546G>A on transcript NM_003000.3 (MANE Select); coding-DNA position 546, G replaced by A.
Protein change: p.Gly182=; no amino-acid change (glycine 182 retained).
Molecular consequence: synonymous variant.
Genome position (GRCh38, 1-based): chr1:17,024,069, C>T on the plus strand (G>A on the coding strand, the complement: SDHB is on the minus strand). VCF-style: chr1-17024069-C-T. GRCh37 (hg19) VCF-style: chr1-17350564-C-T.
Other names: c.492G>A, p.Gly164= (NM_001407361.1).
Identifiers: ClinVar variation 2930833 (VCV002930833.5), dbSNP rs2101516640, ClinGen allele CA416083993.
Genomic context (GRCh38, chr1:17,024,069, plus strand): 5'-GTTCCACCAGTAGCTGGGGCAGCTGGTGCTACAGCAGGCACAGAGAATGCACTCGTAGAG[C>T]CCGTCCTGTATGGGGAGAAAAGAGAGGCAGGAGCTTGTGACGGGAGAGACTCTGCTATGT-3'
Protein context (NP_002991.2, residues 172-192): QSIEEREKLD[Gly182=]LYECILCACC

ClinVar aggregate classification (germline): Benign/Likely benign. Review status: criteria provided, multiple submitters, no conflicts (2 of 4 stars). 3 submissions from 3 submitters: Benign (1); Likely benign (2). Last evaluated 2025-07-12.

Conditions:
Hereditary cancer-predisposing syndrome. Also called: Neoplastic Syndromes, Hereditary; Hereditary neoplastic syndrome; Tumor predisposition; Hereditary Cancer Syndrome. Identifiers: Orphanet 140162, MedGen C0027672, MeSH D009386, MONDO:0015356.
Pheochromocytoma. Also called: MAX-Related Hereditary Paraganglioma-Pheochromocytoma Syndrome. Identifiers: Orphanet 29072, MedGen C0031511, MONDO:0008233, OMIM 171300, HP:0002666.
Gastrointestinal stromal tumor. Also called: Gastrointestinal stromal tumor, somatic; Gastrointestinal stroma tumor. Identifiers: Orphanet 44890, MedGen C0238198, MeSH D046152, MONDO:0011719, OMIM 606764, HP:0100723.
Pheochromocytoma/paraganglioma syndrome 4. Also called: CAROTID BODY TUMORS AND MULTIPLE EXTRAADRENAL PHEOCHROMOCYTOMAS; PARAGANGLIOMA, FAMILIAL MALIGNANT; PARAGANGLIOMAS, HEREDITARY EXTRAADRENAL; PHEOCHROMOCYTOMA, FAMILIAL EXTRAADRENAL; Paragangliomas 4; SDHB-Related Hereditary Paraganglioma-Pheochromocytoma Syndrome (Paragangliomas 4). Identifiers: Orphanet 29072, MedGen C1861848, MONDO:0007273, OMIM 115310.

Allele frequency attached by ClinVar (database versions not stated): gnomAD exomes below 0.00001.
gnomAD v4.1: 1 of 1,612,250 alleles (0.000062%); highest among the groups gnomAD compares: Non-Finnish European, 0.000085%; no homozygotes.

Submissions (3):

Ambry Genetics
Classification: Likely benign for Hereditary cancer-predisposing syndrome. Last evaluated: 2025-07-12. Review status: criteria provided, single submitter. Criteria: Ambry Variant Classification Scheme 2023. Collection method: clinical testing. Allele origin: germline.

Myriad Genetics, Inc.
Classification: Benign for Pheochromocytoma/paraganglioma syndrome 4. Last evaluated: 2025-03-13. Review status: criteria provided, single submitter. Criteria: Myriad Autosomal Dominant, Autosomal Recessive and X-Linked Classification Criteria (2023). Collection method: clinical testing. Allele origin: unknown.
Comment: This variant is considered benign. This variant is a silent/synonymous amino acid change and it is not expected to impact splicing.

Labcorp Genetics (formerly Invitae), Labcorp
Classification: Likely benign for Gastrointestinal stromal tumor; Pheochromocytoma/paraganglioma syndrome 4; Pheochromocytoma. Last evaluated: 2023-09-19. Review status: criteria provided, single submitter. Criteria: Invitae Variant Classification Sherloc (09022015). Collection method: clinical testing. Allele origin: germline.